The following is an entry in ClinVar:

ClinVar aggregate classification (germline): Uncertain significance (1 of 4 stars; one submission).

Conditions:
Hereditary cancer-predisposing syndrome. Also called: Neoplastic Syndromes, Hereditary; Tumor predisposition; Hereditary Cancer Syndrome; Hereditary neoplastic syndrome. Identifiers: Orphanet 140162, MedGen C0027672, MeSH D009386, MONDO:0015356.

gnomAD v4.1: 1 of 1,611,224 alleles (0.000062%); highest among the groups gnomAD compares: East Asian, 0.0022%; no homozygotes.

Submission:

Ambry Genetics
Classification: Uncertain significance for Hereditary cancer-predisposing syndrome. Last evaluated: 2025-08-27. Review status: criteria provided, single submitter. Criteria: Ambry Variant Classification Scheme 2023. Collection method: clinical testing. Allele origin: germline.
Comment: The c.378+4G>C intronic variant results from a G to C substitution 4 nucleotides after coding exon 2 in the NTHL1 gene. This nucleotide position is not well conserved in available vertebrate species. In silico splice site analysis predicts that this alteration will not have any significant effect on splicing. Based on the available evidence, the clinical significance of this variant remains unclear.

NM_002528.7(NTHL1):c.354+4G>C

Gene: NTHL1 (nth like DNA glycosylase 1; minus strand). Cytogenetic location: 16p13.3.
Variant type: single nucleotide variant.
Coding change: c.354+4G>C on transcript NM_002528.7 (MANE Select); 4 bases into the intron after coding-DNA position 354, G replaced by C.
Molecular consequence: intron variant.
Genome position (GRCh38, 1-based): chr16:2,046,124, C>G on the plus strand (G>C on the coding strand, the complement: NTHL1 is on the minus strand). VCF-style: chr16-2046124-C-G. GRCh37 (hg19) VCF-style: chr16-2096125-C-G.
Other names: c.24+156G>C (NM_001318194.2); c.354+4G>C (NM_001318193.2).
Identifiers: ClinVar variation 1734847 (VCV001734847.3), dbSNP rs771353497, ClinGen allele CA2202016949.